The following is an entry in ClinVar:

ClinVar aggregate classification (germline): Uncertain significance (1 of 4 stars; one submission).

Conditions:
Neuroblastoma, susceptibility to, 3. Also called: ALK-Related Neuroblastic Tumor Susceptibility. Identifiers: Orphanet 635, MedGen C2751681, MONDO:0013083, OMIM 613014.

Submission:

Labcorp Genetics (formerly Invitae), Labcorp
Classification: Uncertain significance for Neuroblastoma, susceptibility to, 3. Last evaluated: 2024-09-19. Review status: criteria provided, single submitter. Criteria: Invitae Variant Classification Sherloc (09022015). Collection method: clinical testing. Allele origin: germline.
Comment: This sequence change replaces lysine, which is basic and polar, with isoleucine, which is neutral and non-polar, at codon 894 of the ALK protein (p.Lys894Ile). This variant is not present in population databases (gnomAD no frequency). This variant has not been reported in the literature in individuals affected with ALK-related conditions. An algorithm developed to predict the effect of missense changes on protein structure and function (PolyPhen-2) suggests that this variant is likely to be disruptive. In summary, the available evidence is currently insufficient to determine the role of this variant in disease. Therefore, it has been classified as a Variant of Uncertain Significance.

NM_004304.5(ALK):c.2681A>T (p.Lys894Ile)

Gene: ALK (ALK receptor tyrosine kinase; minus strand). Cytogenetic location: 2p23.2.
Variant type: single nucleotide variant.
Coding change: c.2681A>T on transcript NM_004304.5 (MANE Select); coding-DNA position 2681, A replaced by T.
Protein change: p.Lys894Ile; replaces lysine 894 with isoleucine.
Molecular consequence: missense variant.
Genome position (GRCh38, 1-based): chr2:29,229,018, T>A on the plus strand (A>T on the coding strand, the complement: ALK is on the minus strand). VCF-style: chr2-29229018-T-A. GRCh37 (hg19) VCF-style: chr2-29451884-T-A.
Other names: short protein forms K894I.
Identifiers: ClinVar variation 3719798 (VCV003719798.2).